The following is an entry in ClinVar:

ClinVar aggregate classification (germline): Uncertain significance (1 of 4 stars; one submission).

Conditions:
Familial cancer of breast. Also called: hereditary breast carcinoma; Hereditary breast cancer; BREAST CANCER, FAMILIAL. Identifiers: Orphanet 227535, MedGen C0346153, MONDO:0016419, OMIM 114480. Disease mechanism: loss of function.

Submission:

Labcorp Genetics (formerly Invitae), Labcorp
Classification: Uncertain significance for Familial cancer of breast. Last evaluated: 2022-11-29. Review status: criteria provided, single submitter. Criteria: Invitae Variant Classification Sherloc (09022015). Collection method: clinical testing. Allele origin: germline.
Comment: This variant is not present in population databases (gnomAD no frequency). This variant has not been reported in the literature in individuals affected with CHEK2-related conditions. ClinVar contains an entry for this variant (Variation ID: 1397067). Algorithms developed to predict the effect of missense changes on protein structure and function are either unavailable or do not agree on the potential impact of this missense change (SIFT: "Deleterious"; PolyPhen-2: "Probably Damaging"; Align-GVGD: "Class C0"). In summary, the available evidence is currently insufficient to determine the role of this variant in disease. Therefore, it has been classified as a Variant of Uncertain Significance. This sequence change replaces serine, which is neutral and polar, with tyrosine, which is neutral and polar, at codon 372 of the CHEK2 protein (p.Ser372Tyr).

NM_007194.4(CHEK2):c.1115C>A (p.Ser372Tyr)

Gene: CHEK2 (checkpoint kinase 2; minus strand). Cytogenetic location: 22q12.1.
Variant type: single nucleotide variant.
Coding change: c.1115C>A on transcript NM_007194.4 (MANE Select); coding-DNA position 1115, C replaced by A.
Protein change: p.Ser372Tyr; replaces serine 372 with tyrosine.
Molecular consequence: missense variant.
Genome position (GRCh38, 1-based): chr22:28,695,854, G>T on the plus strand (C>A on the coding strand, the complement: CHEK2 is on the minus strand). VCF-style: chr22-28695854-G-T. GRCh37 (hg19) VCF-style: chr22-29091842-G-T.
Other names: c.1244C>A, p.Ser415Tyr (NM_001005735.3); c.452C>A, p.Ser151Tyr (NM_001257387.3); c.914C>A, p.Ser305Tyr (NM_001349956.3); c.1028C>A, p.Ser343Tyr (NM_145862.3); short protein forms S372Y, S151Y, S305Y, S415Y, S343Y.
Identifiers: ClinVar variation 1397067 (VCV001397067.9), dbSNP rs147877722, ClinGen allele CA411097099.